The following is an entry in ClinVar:

NM_001355436.2(SPTB):c.5455G>A (p.Glu1819Lys)

Gene: SPTB (spectrin beta, erythrocytic; minus strand). Cytogenetic location: 14q23.3.
Variant type: single nucleotide variant.
Coding change: c.5455G>A on transcript NM_001355436.2 (MANE Select); coding-DNA position 5455, G replaced by A.
Protein change: p.Glu1819Lys; replaces glutamic acid 1819 with lysine.
Molecular consequence: missense variant.
Genome position (GRCh38, 1-based): chr14:64,772,678, C>T on the plus strand (G>A on the coding strand, the complement: SPTB is on the minus strand). VCF-style: chr14-64772678-C-T. GRCh37 (hg19) VCF-style: chr14-65239396-C-T.
Other names: c.5455G>A, p.Glu1819Lys (NM_001024858.4, NM_001355437.2); short protein forms E1819K.
Identifiers: ClinVar variation 2644319 (VCV002644319.24), dbSNP rs200386310, ClinGen allele CA7229964.

ClinVar aggregate classification (germline): Uncertain significance (1 of 4 stars; one submission).

gnomAD v4.1: 52 of 1,613,552 alleles (0.0032%); highest among the groups gnomAD compares: Non-Finnish European, 0.0038%; no homozygotes.

Submission:

CeGaT Center for Human Genetics Tuebingen
Classification: Uncertain significance. Last evaluated: 2022-04-01. Review status: criteria provided, single submitter. Criteria: CeGaT Center For Human Genetics Tuebingen Variant Classification Criteria Version 2. Collection method: clinical testing. Allele origin: germline. Affected: yes. Observed: 1 variant allele.
Comment: SPTB: PM2, BP4